The following is an entry in ClinVar:

NM_016341.4(PLCE1):c.1332A>G (p.Gln444=)

Gene: PLCE1 (phospholipase C epsilon 1; plus strand). Cytogenetic location: 10q23.33.
Variant type: single nucleotide variant.
Coding change: c.1332A>G on transcript NM_016341.4 (MANE Select); coding-DNA position 1332, A replaced by G.
Protein change: p.Gln444=; no amino-acid change (glutamine 444 retained).
Molecular consequence: synonymous variant.
Genome position (GRCh38, 1-based): chr10:94,132,299, A>G. VCF-style: chr10-94132299-A-G. GRCh37 (hg19) VCF-style: chr10-95892056-A-G.
Other names: c.408A>G, p.Gln136= (NM_001165979.2); c.1332A>G, p.Gln444= (NM_001288989.2).
Identifiers: ClinVar variation 3036371 (VCV003036371.2), dbSNP rs201394360, ClinGen allele CA5612347.
Genomic context (GRCh38, chr10:94,132,299, plus strand): 5'-CAAGCTCCCAGCCTCCGAGACAGCCCATGGAAGGATAAGCGTTGGTCCATGCTTAAAGCA[A>G]TGTGTCCGAGACACTGTATGTGAGTATCGCGCCACCCTCCAAAGGACTTCAATATCGCAG-3'
Protein context (NP_057425.3, residues 434-454): GRISVGPCLK[Gln444=]CVRDTVCEYR

ClinVar aggregate classification (germline): Likely benign (0 of 4 stars; one submission).

Conditions:
PLCE1-related disorder. Also called: PLCE1-related condition.

Allele frequency attached by ClinVar (database versions not stated): gnomAD 0.00001; ExAC 0.00002; gnomAD exomes 0.00006; 1000 Genomes Project 30x 0.00031; 1000 Genomes Project 0.00040.
gnomAD v4.1: 82 of 1,614,066 alleles (0.0051%); highest among the groups gnomAD compares: East Asian, 0.18%; no homozygotes.

Submission:

PreventionGenetics, part of Exact Sciences
Classification: Likely benign for PLCE1-related condition. Last evaluated: 2020-10-27. Review status: no assertion criteria provided. Collection method: clinical testing. Allele origin: germline.
Comment: This variant is classified as likely benign based on ACMG/AMP sequence variant interpretation guidelines (Richards et al. 2015 PMID: 25741868, with internal and published modifications).